The following is an entry in ClinVar:

NM_030665.4(RAI1):c.4795G>A (p.Val1599Met)

Gene: RAI1 (retinoic acid induced 1; plus strand). Cytogenetic location: 17p11.2.
Variant type: single nucleotide variant.
Coding change: c.4795G>A on transcript NM_030665.4 (MANE Select); coding-DNA position 4795, G replaced by A.
Protein change: p.Val1599Met; replaces valine 1599 with methionine.
Molecular consequence: missense variant.
Genome position (GRCh38, 1-based): chr17:17,797,743, G>A. VCF-style: chr17-17797743-G-A. GRCh37 (hg19) VCF-style: chr17-17701057-G-A.
Other names: c.4795G>A (NM_030665.3); short protein forms V1599M.
Identifiers: ClinVar variation 3666333 (VCV003666333.5).

ClinVar aggregate classification (germline): Uncertain significance. Review status: criteria provided, multiple submitters, no conflicts (2 of 4 stars). 3 submissions from 3 submitters: Uncertain significance (3). Last evaluated 2026-01-20.

Conditions:
Inborn genetic diseases. Identifiers: MedGen C0950123, MeSH D030342.

gnomAD v4.1: 1 of 1,613,998 alleles (0.000062%); highest among the groups gnomAD compares: Non-Finnish European, 0.000085%; no homozygotes.

Submissions (3):

Ambry Genetics
Classification: Uncertain significance for Inborn genetic diseases. Last evaluated: 2026-01-20. Review status: criteria provided, single submitter. Criteria: Ambry Variant Classification Scheme 2023. Collection method: clinical testing. Allele origin: germline.

Labcorp Genetics (formerly Invitae), Labcorp
Classification: Uncertain significance. Last evaluated: 2024-10-10. Review status: criteria provided, single submitter. Criteria: Invitae Variant Classification Sherloc (09022015). Collection method: clinical testing. Allele origin: germline.
Comment: This sequence change replaces valine, which is neutral and non-polar, with methionine, which is neutral and non-polar, at codon 1599 of the RAI1 protein (p.Val1599Met). This variant is not present in population databases (gnomAD no frequency). This variant has not been reported in the literature in individuals affected with RAI1-related conditions. Invitae Evidence Modeling of protein sequence and biophysical properties (such as structural, functional, and spatial information, amino acid conservation, physicochemical variation, residue mobility, and thermodynamic stability) indicates that this missense variant is expected to disrupt RAI1 protein function with a positive predictive value of 80%. In summary, the available evidence is currently insufficient to determine the role of this variant in disease. Therefore, it has been classified as a Variant of Uncertain Significance.

Dasa
Classification: Uncertain significance. Last evaluated: 2024-10-04. Review status: criteria provided, single submitter. Criteria: DASA Assertion Criteria. Collection method: clinical testing. Allele origin: germline.
Comment: NM_030665.4(RAI1):c.4795G>A (p.Val1599Met) is a missense variant that results in the substitution of valine with methionine. This variant is rare in population databases. Computational prediction algorithms are consistent with a benign effect. The currently available literature and clinical evidence are not sufficient to establish a definitive association between this variant and the reported condition. Therefore, this variant is classified as a variant of uncertain significance.